The following is an entry in ClinVar:

NM_198428.3(BBS9):c.412A>G (p.Met138Val)

Gene: BBS9 (Bardet-Biedl syndrome 9; plus strand). Cytogenetic location: 7p14.3.
Variant type: single nucleotide variant.
Coding change: c.412A>G on transcript NM_198428.3 (MANE Select); coding-DNA position 412, A replaced by G.
Protein change: p.Met138Val; replaces methionine 138 with valine.
Molecular consequence: missense variant. On other transcripts: non-coding transcript variant (3).
Genome position (GRCh38, 1-based): chr7:33,177,561, A>G. VCF-style: chr7-33177561-A-G. GRCh37 (hg19) VCF-style: chr7-33217173-A-G.
Other names: c.412A>G, p.Met138Val (NM_001348041.4, NM_001348043.3, NM_001362679.1 and 7 more transcripts); c.277A>G, p.Met93Val (NM_001348042.3); c.46A>G, p.Met16Val (NM_001348044.3, NM_001348045.3, NM_001348046.3 and 1 more transcripts); c.139A>G, p.Met47Val (NM_001348038.3, NM_001348039.3); short protein forms M47V, M93V, M138V, M16V.
Identifiers: ClinVar variation 1901944 (VCV001901944.5), dbSNP rs2535613453, ClinGen allele CA367251958.

ClinVar aggregate classification (germline): Uncertain significance (1 of 4 stars; one submission).

Conditions:
Bardet-Biedl syndrome (BBS). Identifiers: Orphanet 110, MedGen C0752166, MONDO:0015229.

Allele frequency attached by ClinVar (database versions not stated): gnomAD exomes below 0.00001.

Submission:

Labcorp Genetics (formerly Invitae), Labcorp
Classification: Uncertain significance for Bardet-Biedl syndrome. Last evaluated: 2025-07-14. Review status: criteria provided, single submitter. Criteria: Invitae Variant Classification Sherloc (09022015). Collection method: clinical testing. Allele origin: germline.
Comment: This sequence change replaces methionine, which is neutral and non-polar, with valine, which is neutral and non-polar, at codon 138 of the BBS9 protein (p.Met138Val). This variant is not present in population databases (gnomAD no frequency). This variant has not been reported in the literature in individuals affected with BBS9-related conditions. ClinVar contains an entry for this variant (Variation ID: 1901944). Invitae Evidence Modeling of protein sequence and biophysical properties (such as structural, functional, and spatial information, amino acid conservation, physicochemical variation, residue mobility, and thermodynamic stability) indicates that this missense variant is expected to disrupt BBS9 protein function with a positive predictive value of 80%. In summary, the available evidence is currently insufficient to determine the role of this variant in disease. Therefore, it has been classified as a Variant of Uncertain Significance.